The following is an entry in ClinVar:

ClinVar aggregate classification (germline): Uncertain significance. Review status: criteria provided, multiple submitters, no conflicts (2 of 4 stars). 2 submissions from 2 submitters: Uncertain significance (2). Last evaluated 2024-05-14.

Conditions:
Dilated cardiomyopathy 1HH (CMD1HH). Identifiers: Orphanet 154, MedGen C3151293, MONDO:0013479, OMIM 613881.
Myofibrillar myopathy 6. Identifiers: Orphanet 199340, MedGen C2751831, MONDO:0013061, OMIM 612954.

Submissions (2):

Mayo Clinic Laboratories, Mayo Clinic
Classification: Uncertain significance. Last evaluated: 2024-05-14. Review status: criteria provided, single submitter. Criteria: ACMG Guidelines, 2015. Collection method: clinical testing. Allele origin: germline. Observed: 1 variant allele.
Comment: PM2

Labcorp Genetics (formerly Invitae), Labcorp
Classification: Uncertain significance for Dilated cardiomyopathy 1HH; Myofibrillar myopathy 6. Last evaluated: 2023-01-02. Review status: criteria provided, single submitter. Criteria: Invitae Variant Classification Sherloc (09022015). Collection method: clinical testing. Allele origin: germline.
Comment: This variant has not been reported in the literature in individuals affected with BAG3-related conditions. In summary, the available evidence is currently insufficient to determine the role of this variant in disease. Therefore, it has been classified as a Variant of Uncertain Significance. Advanced modeling of protein sequence and biophysical properties (such as structural, functional, and spatial information, amino acid conservation, physicochemical variation, residue mobility, and thermodynamic stability) performed at Invitae indicates that this missense variant is expected to disrupt BAG3 protein function. This variant is not present in population databases (gnomAD no frequency). This sequence change replaces glutamic acid, which is acidic and polar, with glutamine, which is neutral and polar, at codon 471 of the BAG3 protein (p.Glu471Gln).

Literature cited by the submitters: PubMed 30442290 (cited by Mayo Clinic Laboratories, Mayo Clinic).

NM_004281.4(BAG3):c.1411G>C (p.Glu471Gln)

Gene: BAG3 (BAG cochaperone 3; plus strand). Cytogenetic location: 10q26.11.
Variant type: single nucleotide variant.
Coding change: c.1411G>C on transcript NM_004281.4 (MANE Select); coding-DNA position 1411, G replaced by C.
Protein change: p.Glu471Gln; replaces glutamic acid 471 with glutamine.
Molecular consequence: missense variant.
Genome position (GRCh38, 1-based): chr10:119,676,965, G>C. VCF-style: chr10-119676965-G-C. GRCh37 (hg19) VCF-style: chr10-121436477-G-C.
Other names: p.Glu471Gln; short protein forms E471Q.
Identifiers: ClinVar variation 2420351 (VCV002420351.7), dbSNP rs778496291, ClinGen allele CA378297265.